The following is an entry in ClinVar:

ClinVar aggregate classification (germline): Conflicting classifications of pathogenicity. Review status: criteria provided, conflicting classifications (1 of 4 stars). 3 submissions from 3 submitters: Pathogenic (1); Likely pathogenic (1); Uncertain significance (1). Last evaluated 2025-09-26.

Conditions:
Inborn genetic diseases. Identifiers: MedGen C0950123, MeSH D030342.
Lissencephaly due to TUBA1A mutation (CDCBM16). Also called: Lissencephaly 3; CORTICAL DYSPLASIA, COMPLEX, WITH OTHER BRAIN MALFORMATIONS 16. Identifiers: Orphanet 171680, MedGen C4305153, MONDO:0012703, OMIM 611603.

Submissions (3):

Variantyx, Inc.
Classification: Pathogenic for Lissencephaly due to TUBA1A mutation. Last evaluated: 2025-09-26. Review status: criteria provided, single submitter. Criteria: Variantyx Assertion Criteria 2022. Collection method: clinical testing. Allele origin: de novo. Inheritance: Autosomal dominant inheritance. Affected: yes.
Comment: This is a nonsynonymous variant in the TUBA1A gene (OMIM: 602529). Pathogenic variants in this gene have been associated with autosomal dominant lissencephaly 3. The clinical symptoms reported for this individual are highly specific for autosomal dominant lissencephaly 3, which has a limited genetic etiology (PP4). The alteration lies within a known hotspot for pathogenic variants or a well-established critical functional domain of the TUBA1A protein (PMID: 23361065) (PM1) and multiple computational algorithms predict a deleterious effect for this variant (REVEL score: 0.807) (PP3). This variant is absent from control populations (PM2). Based on the current evidence, this variant is classified as pathogenic for autosomal dominant lissencephaly 3.

Labcorp Genetics (formerly Invitae), Labcorp
Classification: Uncertain significance. Last evaluated: 2022-10-03. Review status: criteria provided, single submitter. Criteria: Invitae Variant Classification Sherloc (09022015). Collection method: clinical testing. Allele origin: germline.
Comment: This sequence change replaces threonine, which is neutral and polar, with isoleucine, which is neutral and non-polar, at codon 361 of the TUBA1A protein (p.Thr361Ile). In summary, the available evidence is currently insufficient to determine the role of this variant in disease. Therefore, it has been classified as a Variant of Uncertain Significance. Advanced modeling of protein sequence and biophysical properties (such as structural, functional, and spatial information, amino acid conservation, physicochemical variation, residue mobility, and thermodynamic stability) performed at Invitae indicates that this missense variant is not expected to disrupt TUBA1A protein function. ClinVar contains an entry for this variant (Variation ID: 520901). This variant has not been reported in the literature in individuals affected with TUBA1A-related conditions. This variant is not present in population databases (gnomAD no frequency).

Ambry Genetics
Classification: Likely pathogenic for Inborn genetic diseases. Last evaluated: 2016-12-12. Review status: criteria provided, single submitter. Criteria: Ambry exome assertion method (8-5-2015). Collection method: clinical testing. Allele origin: germline. Affected: yes. Observed: 1 variant allele.

Literature cited by the submitters: PubMed 23361065 (cited by Variantyx, Inc.); PubMed 27129203 (cited by Ambry Genetics).

NM_006009.4(TUBA1A):c.1082C>T (p.Thr361Ile)

Gene: TUBA1A (tubulin alpha 1a; minus strand). Cytogenetic location: 12q13.12.
Variant type: single nucleotide variant.
Coding change: c.1082C>T on transcript NM_006009.4 (MANE Select); coding-DNA position 1082, C replaced by T.
Protein change: p.Thr361Ile; replaces threonine 361 with isoleucine.
Molecular consequence: missense variant.
Genome position (GRCh38, 1-based): chr12:49,185,284, G>A on the plus strand (C>T on the coding strand, the complement: TUBA1A is on the minus strand). VCF-style: chr12-49185284-G-A. GRCh37 (hg19) VCF-style: chr12-49579067-G-A.
Other names: c.977C>T, p.Thr326Ile (NM_001270400.2); c.1082C>T, p.Thr361Ile (NM_001270399.2); short protein forms T361I, T326I.
Identifiers: ClinVar variation 520901 (VCV000520901.9), dbSNP rs1555162301, ClinGen allele CA384636209.